The following is an entry in ClinVar:

NM_001184880.2(PCDH19):c.959A>G (p.Asp320Gly)

Gene: PCDH19 (protocadherin 19; minus strand). Cytogenetic location: Xq22.1.
Variant type: single nucleotide variant.
Coding change: c.959A>G on transcript NM_001184880.2 (MANE Select); coding-DNA position 959, A replaced by G.
Protein change: p.Asp320Gly; replaces aspartic acid 320 with glycine.
Molecular consequence: missense variant.
Genome position (GRCh38, 1-based): chrX:100,407,639, T>C on the plus strand (A>G on the coding strand, the complement: PCDH19 is on the minus strand). VCF-style: chrX-100407639-T-C. GRCh37 (hg19) VCF-style: chrX-99662637-T-C.
Other names: c.959A>G, p.Asp320Gly (NM_001105243.2, NM_020766.3); short protein forms D320G.
Identifiers: ClinVar variation 2116639 (VCV002116639.4), dbSNP rs1602636925, ClinGen allele CA414004918.

ClinVar aggregate classification (germline): Uncertain significance (1 of 4 stars; one submission).

Conditions:
Developmental and epileptic encephalopathy, 9 (DEE9). Also called: Early infantile epileptic encephalopathy 9; JUBERG-HELLMAN SYNDROME; PCDH19-Related X-Linked Female-Limited Epilepsy with Mental Retardation; EPILEPSY, FEMALE-RESTRICTED, WITH MENTAL RETARDATION. Identifiers: Orphanet 101039, Orphanet 2076, MedGen C1848137, MONDO:0010246, OMIM 300088. Disease mechanism: loss of function.

Submission:

Labcorp Genetics (formerly Invitae), Labcorp
Classification: Uncertain significance for Developmental and epileptic encephalopathy, 9. Last evaluated: 2023-08-27. Review status: criteria provided, single submitter. Criteria: Invitae Variant Classification Sherloc (09022015). Collection method: clinical testing. Allele origin: germline.
Comment: Advanced modeling of protein sequence and biophysical properties (such as structural, functional, and spatial information, amino acid conservation, physicochemical variation, residue mobility, and thermodynamic stability) performed at Invitae indicates that this missense variant is expected to disrupt PCDH19 protein function. ClinVar contains an entry for this variant (Variation ID: 2116639). This variant has not been reported in the literature in individuals affected with PCDH19-related conditions. This variant is not present in population databases (gnomAD no frequency). This sequence change replaces aspartic acid, which is acidic and polar, with glycine, which is neutral and non-polar, at codon 320 of the PCDH19 protein (p.Asp320Gly). In summary, the available evidence is currently insufficient to determine the role of this variant in disease. Therefore, it has been classified as a Variant of Uncertain Significance.